The following is an entry in ClinVar:

ClinVar aggregate classification (germline): Uncertain significance (1 of 4 stars; one submission).

Conditions:
Hypertrophic cardiomyopathy. Also called: HYPERTROPHIC MYOCARDIOPATHY. Identifiers: Orphanet 217569, MedGen C0007194, MeSH D002312, MONDO:0005045, HP:0001639.

Submission:

All of Us Research Program, National Institutes of Health
Classification: Uncertain significance for Hypertrophic cardiomyopathy. Last evaluated: 2023-11-02. Review status: criteria provided, single submitter. Criteria: ACMG Guidelines, 2015. Collection method: clinical testing. Allele origin: germline. Inheritance: Autosomal dominant inheritance. Observed: 1 variant allele, 1 heterozygote.
Comment: This missense variant replaces threonine with isoleucine at codon 1026 of the MYBPC3 protein. Computational prediction suggests that this variant may not impact protein structure and function (internally defined REVEL score threshold <= 0.5, PMID: 27666373). To our knowledge, functional studies have not been reported for this variant. This variant has not been reported in individuals affected with MYBPC3-related disorders in the literature. This variant has not been identified in the general population by the Genome Aggregation Database (gnomAD). The available evidence is insufficient to determine the role of this variant in disease conclusively. Therefore, this variant is classified as a Variant of Uncertain Significance.

This study involves interpretation of variants in research participants for the purpose of population health screening. Participant phenotype was not available at the time of variant classification. Additional details can be found in publication PMID: 35346344, PMCID: PMC8962531

NM_000256.3(MYBPC3):c.3077C>T (p.Thr1026Ile)

Gene: MYBPC3 (myosin binding protein C3; minus strand). Cytogenetic location: 11p11.2.
Variant type: single nucleotide variant.
Coding change: c.3077C>T on transcript NM_000256.3 (MANE Select); coding-DNA position 3077, C replaced by T.
Protein change: p.Thr1026Ile; replaces threonine 1026 with isoleucine.
Molecular consequence: missense variant.
Genome position (GRCh38, 1-based): chr11:47,333,670, G>A on the plus strand (C>T on the coding strand, the complement: MYBPC3 is on the minus strand). VCF-style: chr11-47333670-G-A. GRCh37 (hg19) VCF-style: chr11-47355221-G-A.
Other names: short protein forms T1026I.
Identifiers: ClinVar variation 3074345 (VCV003074345.1), dbSNP rs2495741870, ClinGen allele CA380315291.